The following is an entry in ClinVar:

NM_000051.4(ATM):c.7088A>T (p.Lys2363Met)

Genes: ATM (ATM serine/threonine kinase; plus strand), C11orf65 (chromosome 11 open reading frame 65; minus strand). Cytogenetic location: 11q22.3.
Variant type: single nucleotide variant.
Coding change: c.7088A>T on transcript NM_000051.4 (MANE Select); coding-DNA position 7088, A replaced by T.
Protein change: p.Lys2363Met; replaces lysine 2363 with methionine.
Molecular consequence: missense variant. On other transcripts: intron variant (2).
Genome position (GRCh38, 1-based): chr11:108,327,757, A>T. VCF-style: chr11-108327757-A-T. GRCh37 (hg19) VCF-style: chr11-108198484-A-T.
Other names: c.7088A>T, p.Lys2363Met (NM_001351834.2); c.641-18686T>A (NM_001330368.2); c.*38+7463T>A (NM_001351110.2); short protein forms K2363M.
Identifiers: ClinVar variation 489585 (VCV000489585.54), dbSNP rs757293178, ClinGen allele CA6266056.
Genomic context (GRCh38, chr11:108,327,757, plus strand): 5'-ACTGGTTAGCAGAAACGTGCTTAGAAAATCCTGCGGTCATCATGCAGACCTATCTAGAAA[A>T]GGTAAGATTTTTGGAGCAACCCTTAAGATAGTTACTTAGCATGAATATGCTTCATCTTTT-3'
Protein context (NP_000042.3, residues 2353-2373): PAVIMQTYLE[Lys2363Met]AVEVAGNYDG

ClinVar aggregate classification (germline): Uncertain significance. Review status: criteria provided, multiple submitters, no conflicts (2 of 4 stars). 3 submissions from 3 submitters: Uncertain significance (3). Last evaluated 2024-09-13.

Conditions:
Hereditary cancer-predisposing syndrome. Also called: Neoplastic Syndromes, Hereditary; Hereditary Cancer Syndrome; Tumor predisposition; Hereditary neoplastic syndrome. Identifiers: Orphanet 140162, MedGen C0027672, MeSH D009386, MONDO:0015356.
Ataxia-telangiectasia syndrome (AT). Also called: LOUIS-BAR SYNDROME; Cerebello-oculocutaneous telangiectasia; Immunodeficiency with ataxia telangiectasia; Ataxia-telangiectasia, complementation group D; AT, COMPLEMENTATION GROUP C; Ataxia-telangiectasia, complementation group E. Identifiers: Orphanet 100, MedGen C0004135, MONDO:0008840, OMIM 208900.

Allele frequency attached by ClinVar (database versions not stated): gnomAD exomes 0.00001 and below 0.00001; ExAC 0.00002.
gnomAD v4.1: 2 of 1,612,602 alleles (0.00012%); highest among the groups gnomAD compares: Non-Finnish European, 0.00017%; no homozygotes.

Submissions (3):

Ambry Genetics
Classification: Uncertain significance for Hereditary cancer-predisposing syndrome. Last evaluated: 2024-09-13. Review status: criteria provided, single submitter. Criteria: Ambry Variant Classification Scheme 2023. Collection method: clinical testing. Allele origin: germline.
Comment: The p.K2363M variant (also known as c.7088A>T), located in coding exon 47 of the ATM gene, results from an A to T substitution at nucleotide position 7088. The lysine at codon 2363 is replaced by methionine, an amino acid with similar properties. This amino acid position is well conserved in available vertebrate species. In addition, the in silico prediction for this alteration is inconclusive. Based on the available evidence, the clinical significance of this variant remains unclear.

Labcorp Genetics (formerly Invitae), Labcorp
Classification: Uncertain significance for Ataxia-telangiectasia syndrome. Last evaluated: 2020-06-03. Review status: criteria provided, single submitter. Criteria: Invitae Variant Classification Sherloc (09022015). Collection method: clinical testing. Allele origin: germline.
Comment: This variant has not been reported in the literature in individuals with ATM-related conditions. ClinVar contains an entry for this variant (Variation ID: 489585). Algorithms developed to predict the effect of missense changes on protein structure and function (SIFT, PolyPhen-2, Align-GVGD) all suggest that this variant is likely to be disruptive, but these predictions have not been confirmed by published functional studies and their clinical significance is uncertain. In summary, the available evidence is currently insufficient to determine the role of this variant in disease. Therefore, it has been classified as a Variant of Uncertain Significance. This variant is present in population databases (rs757293178, ExAC 0.003%). This sequence change replaces lysine with methionine at codon 2363 of the ATM protein (p.Lys2363Met). The lysine residue is highly conserved and there is a moderate physicochemical difference between lysine and methionine.

Color Diagnostics, LLC DBA Color Health
Classification: Uncertain significance for Hereditary cancer-predisposing syndrome. Last evaluated: 2019-06-07. Review status: criteria provided, single submitter. Criteria: ACMG Guidelines, 2015. Collection method: clinical testing. Allele origin: germline.